The following is an entry in ClinVar:

NM_004252.5(NHERF1):c.673G>A (p.Glu225Lys)

Gene: NHERF1 (NHERF family PDZ scaffold protein 1; plus strand). Cytogenetic location: 17q25.1.
Variant type: single nucleotide variant.
Coding change: c.673G>A on transcript NM_004252.5 (MANE Select); coding-DNA position 673, G replaced by A.
Protein change: p.Glu225Lys; replaces glutamic acid 225 with lysine.
Molecular consequence: missense variant.
Genome position (GRCh38, 1-based): chr17:74,763,436, G>A. VCF-style: chr17-74763436-G-A. GRCh37 (hg19) VCF-style: chr17-72759575-G-A.
Other names: short protein forms E225K.
Identifiers: ClinVar variation 5272 (VCV000005272.44), dbSNP rs119486097, ClinGen allele CA117370.

ClinVar aggregate classification (germline): Benign/Likely benign. Review status: criteria provided, multiple submitters, no conflicts (2 of 4 stars). 8 submissions from 8 submitters: Benign (3); Likely benign (2). 3 of the submissions do not count toward it. Last evaluated 2026-01-28.

Conditions:
NHERF1-related disorder. Also called: NHERF1-related condition.
Dominant hypophosphatemia with nephrolithiasis or osteoporosis. Identifiers: Orphanet 244305, MedGen C5191009, MONDO:0016579.
Hypophosphatemic nephrolithiasis/osteoporosis 2. Identifiers: Orphanet 244305, MedGen C2676782, MONDO:0012851, OMIM 612287.
Kidney stone. Also called: Nephrolithiasis. Identifiers: MedGen C0392525, MONDO:0008171, HP:0000787.
Hypophosphatemia. Also called: Hypophosphataemia. Identifiers: MedGen C0085682, MONDO:0000313, HP:0002148.

Allele frequency attached by ClinVar (database versions not stated): 1000 Genomes Project 30x 0.00094; 1000 Genomes Project 0.00100; TOPMed 0.00165; gnomAD 0.00335 and 0.00351; gnomAD exomes 0.00344; ExAC 0.00346.
gnomAD v4.1: 4,965 of 1,614,038 alleles (0.31%); highest among the groups gnomAD compares: Non-Finnish European, 0.29%; 25 homozygotes.

Submissions (8):

Labcorp Genetics (formerly Invitae), Labcorp
Classification: Benign. Last evaluated: 2026-01-28. Review status: criteria provided, single submitter. Criteria: Invitae Variant Classification Sherloc (09022015). Collection method: clinical testing. Allele origin: germline.

Rare Kidney Stone Consortium and the Mayo Clinic Hyperoxaluria Center, Mayo Clinic
Classification: Benign for Hypophosphatemic nephrolithiasis/osteoporosis 2. Last evaluated: 2025-10-03. Review status: criteria provided, single submitter. Criteria: ACMG Guidelines, 2015. Collection method: research. Allele origin: germline. Observed: 1 variant allele.
Comment: ACMG:PM1, BS1, BS2

CeGaT Center for Human Genetics Tuebingen
Classification: Benign. Last evaluated: 2024-08-01. Review status: criteria provided, single submitter. Criteria: CeGaT Center For Human Genetics Tuebingen Variant Classification Criteria Version 2. Collection method: clinical testing. Allele origin: germline. Affected: yes. Observed: 6 variant alleles.
Comment: NHERF1: BP4, BS1, BS2

Department of Pathology and Laboratory Medicine, Sinai Health System
Classification: Likely benign for dominant hypophosphatemia with nephrolithiasis or osteoporosis. Last evaluated: 2021-09-02. Review status: criteria provided, single submitter. Criteria: ACMG Guidelines, 2015. Collection method: research. Allele origin: germline.

Laboratory for Molecular Medicine, Mass General Brigham Personalized Medicine
Classification: Likely benign. Last evaluated: 2016-03-29. Review status: criteria provided, single submitter. Criteria: LMM Criteria. Collection method: clinical testing. Allele origin: germline.
Comment: Variant identified in a genome or exome case(s) and assessed due to predicted null impact of the variant or pathogenic assertions in the literature or databases. Disclaimer: This variant has not undergone full assessment. The following are preliminary notes: Gene has limited evidence for disease association. Variant reported in a patient with renal calcium lithiasis (Karim 2008), and one with Nephrolithiasis/Nephrocalcinosis (heterozygous, only variant in both cases. Gene is linlked to AD Nephrolithiasis) (Halbritter 2015). Frequency 2.2%.

PreventionGenetics, part of Exact Sciences
Classification: Likely benign for NHERF1-related condition. Last evaluated: 2020-12-08. Review status: no assertion criteria provided. Collection method: clinical testing. Allele origin: germline. Not counted in ClinVar's aggregate classification.
Comment: This variant is classified as likely benign based on ACMG/AMP sequence variant interpretation guidelines (Richards et al. 2015 PMID: 25741868, with internal and published modifications).

Yale Center for Mendelian Genomics, Yale University
Classification: Likely pathogenic for Nephrolithiasis; Hypophosphatemia. Last evaluated: 2017-09-08. Review status: no assertion criteria provided. Collection method: literature only. Allele origin: germline. Affected: yes. Observed: 1 heterozygote. Not counted in ClinVar's aggregate classification.

OMIM
Classification: Pathogenic for NEPHROLITHIASIS/OSTEOPOROSIS, HYPOPHOSPHATEMIC, 2. Last evaluated: 2008-09-11. Review status: no assertion criteria provided. Collection method: literature only. Allele origin: germline. Not counted in ClinVar's aggregate classification.

Literature cited by the submitters: PubMed 18784102 (cited by Rare Kidney Stone Consortium and the Mayo Clinic Hyperoxaluria Center, Mayo Clinic and OMIM); PubMed 25296721 (cited by Rare Kidney Stone Consortium and the Mayo Clinic Hyperoxaluria Center, Mayo Clinic); PubMed 28893421 (cited by Rare Kidney Stone Consortium and the Mayo Clinic Hyperoxaluria Center, Mayo Clinic and Yale Center for Mendelian Genomics, Yale University); PubMed 34426522 (cited by Rare Kidney Stone Consortium and the Mayo Clinic Hyperoxaluria Center, Mayo Clinic); PubMed 37432176 (cited by Rare Kidney Stone Consortium and the Mayo Clinic Hyperoxaluria Center, Mayo Clinic); PubMed 40794449 (cited by Rare Kidney Stone Consortium and the Mayo Clinic Hyperoxaluria Center, Mayo Clinic).